The following is an entry in ClinVar:

ClinVar aggregate classification (germline): Uncertain significance (1 of 4 stars; one submission).

Conditions:
PCNT-related disorder. Also called: PCNT-related condition.

gnomAD v4.1: 5 of 1,613,856 alleles (0.00031%); highest among the groups gnomAD compares: Non-Finnish European, 0.000085%; no homozygotes.

Submission:

PreventionGenetics, part of Exact Sciences
Classification: Uncertain significance for PCNT-related condition. Last evaluated: 2026-05-30. Review status: criteria provided, single submitter. Criteria: ACMG Guidelines, 2015. Collection method: clinical testing. Allele origin: germline.
Comment: The PCNT c.8888C>G variant is predicted to result in the amino acid substitution p.Ser2963Trp. To our knowledge, this variant has not been reported in the literature. This variant is reported in 0.00089% of alleles in individuals of European (Non-Finnish) descent in gnomAD. At this time, the clinical significance of this variant is uncertain due to the absence of conclusive functional and genetic evidence.

NM_006031.6(PCNT):c.8888C>G (p.Ser2963Trp)

Gene: PCNT (pericentrin; plus strand). Cytogenetic location: 21q22.3.
Variant type: single nucleotide variant.
Coding change: c.8888C>G on transcript NM_006031.6 (MANE Select); coding-DNA position 8888, C replaced by G.
Protein change: p.Ser2963Trp; replaces serine 2963 with tryptophan.
Molecular consequence: missense variant.
Genome position (GRCh38, 1-based): chr21:46,436,040, C>G. VCF-style: chr21-46436040-C-G. GRCh37 (hg19) VCF-style: chr21-47855953-C-G.
Other names: c.8297C>G, p.Ser2766Trp (NM_001315529.2); short protein forms S2963W, S2766W.
Identifiers: ClinVar variation 4983759 (VCV004983759.1).